The following is an entry in ClinVar:

NM_001267550.2(TTN):c.69256_69257dup (p.Leu23086fs)

Genes: TTN (titin; minus strand), TTN-AS1 (TTN antisense RNA 1; plus strand). Cytogenetic location: 2q31.2.
Variant type: Duplication.
Coding change: c.69256_69257dup on transcript NM_001267550.2 (MANE Select); coding-DNA positions 69256 to 69257, 2 bases duplicated (TT; older notation c.69256_69257dupTT).
Protein change: p.Leu23086fs; shifts the reading frame from leucine 23086.
Molecular consequence: frameshift variant.
Genome position (GRCh38, 1-based): chr2:178,577,078-178,577,079, AA duplicated on the plus strand (TT on the coding strand, the reverse complement: TTN is on the minus strand); duplicating any 2 consecutive bases within chr2:178,577,078-178,577,081 gives the same sequence; the c. name uses the placement nearest the transcript's 3' end. VCF-style (leftmost placement, unchanged base first): chr2-178577077-C-CAA. GRCh37 (hg19) VCF-style: chr2-179441804-C-CAA.
Other names: c.64333_64334dupTT (NM_001256850.1); c.64333_64334dup, p.Leu21445fs (NM_001256850.1); c.42061_42062dup, p.Leu14021fs (NM_003319.4); c.61552_61553dup, p.Leu20518fs (NM_133378.4); c.42436_42437dup, p.Leu14146fs (NM_133432.3); c.42637_42638dup, p.Leu14213fs (NM_133437.4); c.42061_42062dupTT (NM_003319.4); c.69256_69257dup (NM_001267550.1); short protein forms L23086fs, L14021fs, L14213fs, L20518fs, L14146fs, L21445fs.
Identifiers: ClinVar variation 418686 (VCV000418686.14), dbSNP rs1553616622, ClinGen allele CA16617357.

ClinVar aggregate classification (germline): Likely pathogenic. Review status: criteria provided, multiple submitters, no conflicts (2 of 4 stars). 3 submissions from 3 submitters: Likely pathogenic (3). Last evaluated 2025-07-03.

Conditions:
Dilated cardiomyopathy 1G (CMD1G). Identifiers: Orphanet 154, MedGen C1858763, MONDO:0011400, OMIM 604145.
Autosomal recessive limb-girdle muscular dystrophy type 2J (LGMDR10). Also called: Limb-girdle muscular dystrophy, type 2J; MUSCULAR DYSTROPHY, LIMB-GIRDLE, AUTOSOMAL RECESSIVE 10. Identifiers: Orphanet 140922, MedGen C1837342, MONDO:0012127, OMIM 608807.
Cardiovascular phenotype. Identifiers: MedGen CN230736.

Submissions (3):

Ambry Genetics
Classification: Likely pathogenic for Cardiovascular phenotype. Last evaluated: 2025-07-03. Review status: criteria provided, single submitter. Criteria: Ambry Variant Classification Scheme 2023. Collection method: clinical testing. Allele origin: germline.
Comment: The c.42061_42062dupTT variant, located in coding exon 151 of the TTN gene, results from a duplication of TT at nucleotide position 42061, causing a translational frameshift with a predicted alternate stop codon (p.L14021Ffs*33). This exon is located in the A-band region of the N2-B isoform of the titin protein and is constitutively expressed in TTN transcripts (percent spliced in or PSI 100%). This variant was reported in individual(s) with features consistent with dilated cardiomyopathy (Ambry internal data). This variant is considered to be rare based on population cohorts in the Genome Aggregation Database (gnomAD). This variant is expected to result in loss of function by premature protein truncation or nonsense-mediated mRNA decay. While truncating variants in TTN are present in 1-3% of the general population, truncating variants in the A-band are the most common cause of dilated cardiomyopathy (Herman DS et al. N. Engl. J. Med., 2012 Feb;366:619-28; Roberts AM et al. Sci Transl Med, 2015 Jan;7:270ra6). TTN truncating variants encoded in constitutive exons (PSI >90%) have been found to be significantly associated with DCM regardless of their position in titin (Schafer S et al. Nat. Genet., 2017 01;49:46-53; Akhtar MM et al. Circ Heart Fail, 2020 Oct;13:e006832; Massier M et al. Clin Genet, 2025 Jan). Based on the majority of available evidence to date, this variant is likely to be pathogenic.

Labcorp Genetics (formerly Invitae), Labcorp
Classification: Likely pathogenic for Dilated cardiomyopathy 1G; Autosomal recessive limb-girdle muscular dystrophy type 2J. Last evaluated: 2025-02-19. Review status: criteria provided, single submitter. Criteria: Invitae Variant Classification Sherloc (09022015). Collection method: clinical testing. Allele origin: germline.
Comment: This sequence change creates a premature translational stop signal (p.Leu23086Phefs*33) in the TTN gene. While this is not anticipated to result in nonsense mediated decay, it is expected to create a truncated TTN protein. This variant is not present in population databases (gnomAD no frequency). This variant has not been reported in the literature in individuals affected with TTN-related conditions. ClinVar contains an entry for this variant (Variation ID: 418686). This variant is located in the A band of TTN (PMID: 25589632). Truncating variants in this region are significantly overrepresented in patients affected with dilated cardiomyopathy (PMID: 25589632). Truncating variants in this region have also been reported in individuals affected with autosomal recessive centronuclear myopathy (PMID: 23975875). In summary, the currently available evidence indicates that the variant is pathogenic, but additional data are needed to prove that conclusively. Therefore, this variant has been classified as Likely Pathogenic.

GeneDx
Classification: Likely pathogenic. Last evaluated: 2024-03-12. Review status: criteria provided, single submitter. Criteria: GeneDx Variant Classification Process June 2021. Collection method: clinical testing. Allele origin: germline. Affected: yes.
Comment: Has not been previously published as pathogenic or benign to our knowledge; Not observed at significant frequency in large population cohorts (gnomAD); Frameshift variant predicted to result in protein truncation or nonsense mediated decay in a gene for which loss-of-function is a known mechanism of disease; This variant is associated with the following publications: (PMID: 22335739)

Literature cited by the submitters: PubMed 25589632 (cited by Labcorp Genetics (formerly Invitae), Labcorp); PubMed 23975875 (cited by Labcorp Genetics (formerly Invitae), Labcorp).